The following is an entry in ClinVar:

ClinVar aggregate classification (germline): Uncertain significance (1 of 4 stars; one submission).

Conditions:
Neurofibromatosis, type 1 (NF1). Also called: VON RECKLINGHAUSEN DISEASE; Peripheral type neurofibromatosis; NEUROFIBROMATOSIS, TYPE I, SOMATIC; Neurofibromatosis, type I. Identifiers: Orphanet 636, MedGen C0027831, MONDO:0018975, OMIM 162200. Disease mechanism: loss of function.

Submission:

Labcorp Genetics (formerly Invitae), Labcorp
Classification: Uncertain significance for Neurofibromatosis, type 1. Last evaluated: 2024-02-07. Review status: criteria provided, single submitter. Criteria: Invitae Variant Classification Sherloc (09022015). Collection method: clinical testing. Allele origin: germline.
Comment: This sequence change falls in intron 22 of the NF1 gene. It does not directly change the encoded amino acid sequence of the NF1 protein. It affects a nucleotide within the consensus splice site. This variant is not present in population databases (gnomAD no frequency). This variant has not been reported in the literature in individuals affected with NF1-related conditions. Variants that disrupt the consensus splice site are a relatively common cause of aberrant splicing (PMID: 17576681, 9536098). Algorithms developed to predict the effect of sequence changes on RNA splicing suggest that this variant may disrupt the consensus splice site. In summary, the available evidence is currently insufficient to determine the role of this variant in disease. Therefore, it has been classified as a Variant of Uncertain Significance.

Literature cited by the submitters: PubMed 17576681; PubMed 9536098.

NM_001042492.3(NF1):c.2990+3_2990+13del

Gene: NF1 (neurofibromin 1; plus strand). Cytogenetic location: 17q11.2.
Variant type: Deletion.
Coding change: c.2990+3_2990+13del on transcript NM_001042492.3 (MANE Select); bases 3 to 13 of the intron after coding-DNA position 2990, 11 bases deleted (AAGCATTCTAC).
Molecular consequence: intron variant.
Genome position (GRCh38, 1-based): chr17:31,229,977-31,229,987, AAGCATTCTAC deleted. VCF-style (leftmost placement, unchanged base first): chr17-31229976-TAAGCATTCTAC-T. GRCh37 (hg19) VCF-style: chr17-29556994-TAAGCATTCTAC-T.
Other names: c.2990+3_2990+13del (NM_000267.4).
Identifiers: ClinVar variation 3637820 (VCV003637820.2).